The following is an entry in ClinVar:

ClinVar aggregate classification (germline): Benign. Review status: criteria provided, multiple submitters, no conflicts (2 of 4 stars). 2 submissions from 2 submitters: Benign (2). Last evaluated 2018-06-22.

Conditions:
Landau-Kleffner syndrome (FESD). Also called: EPILEPSY, FOCAL, WITH SPEECH DISORDER AND WITH OR WITHOUT MENTAL RETARDATION; APHASIA, ACQUIRED, WITH EPILEPSY. Identifiers: Orphanet 1945, Orphanet 725, Orphanet 98818, MedGen C0282512, MONDO:0009509, OMIM 245570.

Allele frequency attached by ClinVar (database versions not stated): gnomAD 0.01821 and 0.01949; gnomAD exomes 0.00198; TOPMed 0.02118; 1000 Genomes Project 30x 0.02264; 1000 Genomes Project 0.02216.
gnomAD v4.1: 4,594 of 1,018,822 alleles (0.45%); highest among the groups gnomAD compares: African/African-American, 6.3%; 128 homozygotes.

Submissions (2):

GeneDx
Classification: Benign. Last evaluated: 2018-06-22. Review status: criteria provided, single submitter. Criteria: GeneDx Variant Classification Process June 2021. Collection method: clinical testing. Allele origin: germline. Affected: yes.

Illumina Laboratory Services, Illumina
Classification: Benign for Landau-Kleffner syndrome. Last evaluated: 2018-01-12. Review status: criteria provided, single submitter. Criteria: ICSL Variant Classification Criteria 13 December 2019. Collection method: clinical testing. Allele origin: germline.
Comment: This variant was observed in the ICSL laboratory as part of a predisposition screen in an ostensibly healthy population. It had not been previously curated by ICSL or reported in the Human Gene Mutation Database (HGMD: prior to June 1st, 2018), and was therefore a candidate for classification through an automated scoring system. Utilizing variant allele frequency, disease prevalence and penetrance estimates, and inheritance mode, an automated score was calculated to assess if this variant is too frequent to cause the disease. Based on the score and internal cut-off values, a variant classified as benign is not then subjected to further curation. The score for this variant resulted in a classification of benign for this disease.

NM_001134407.3(GRIN2A):c.*121G>T

Gene: GRIN2A (glutamate ionotropic receptor NMDA type subunit 2A; minus strand). Cytogenetic location: 16p13.2.
Variant type: single nucleotide variant.
Coding change: c.*121G>T on transcript NM_001134407.3 (MANE Select); 121 bases downstream of the stop codon, G replaced by T.
Molecular consequence: 3 prime UTR variant.
Genome position (GRCh38, 1-based): chr16:9,763,028, C>A on the plus strand (G>T on the coding strand, the complement: GRIN2A is on the minus strand). VCF-style: chr16-9763028-C-A. GRCh37 (hg19) VCF-style: chr16-9856885-C-A.
Other names: c.*121G>T (NM_000833.5); c.*327G>T (NM_001134408.2).
Identifiers: ClinVar variation 321597 (VCV000321597.6), dbSNP rs75272984, ClinGen allele CA10638789.